The following is an entry in ClinVar:

ClinVar aggregate classification (germline): Pathogenic (1 of 4 stars; one submission).

Conditions:
Neuropathy, hereditary sensory and autonomic, type 2A (HSAN2A). Also called: HSAN IIA; ACROOSTEOLYSIS, GIACCAI TYPE; ACROOSTEOLYSIS, NEUROGENIC; MORVAN DISEASE; NEUROPATHY, CONGENITAL SENSORY; NEUROPATHY, HEREDITARY SENSORY RADICULAR, AUTOSOMAL RECESSIVE. Identifiers: Orphanet 970, MedGen C2752089, MONDO:0024309, OMIM 201300.
Generalized epilepsy with febrile seizures plus, type 7 (GEFSP7). Also called: GEFS+, TYPE 7. Identifiers: Orphanet 36387, MedGen C2751778, MONDO:0013470, OMIM 613863.

Submission:

Labcorp Genetics (formerly Invitae), Labcorp
Classification: Pathogenic for Neuropathy, hereditary sensory and autonomic, type 2A; Generalized epilepsy with febrile seizures plus, type 7. Last evaluated: 2024-10-30. Review status: criteria provided, single submitter. Criteria: Invitae Variant Classification Sherloc (09022015). Collection method: clinical testing. Allele origin: germline.
Comment: This sequence change creates a premature translational stop signal (p.Gly1052*) in the SCN9A gene. It is expected to result in an absent or disrupted protein product. Loss-of-function variants in SCN9A are known to be pathogenic (PMID: 17470132, 19304393). This variant is not present in population databases (gnomAD no frequency). This variant has not been reported in the literature in individuals affected with SCN9A-related conditions. ClinVar contains an entry for this variant (Variation ID: 847628). For these reasons, this variant has been classified as Pathogenic.

Literature cited by the submitters: PubMed 17470132; PubMed 19304393.

NM_001365536.1(SCN9A):c.3187G>T (p.Gly1063Ter)

Genes: SCN1A-AS1 (SCN1A and SCN9A antisense RNA 1; plus strand), SCN9A (sodium voltage-gated channel alpha subunit 9; minus strand). Cytogenetic location: 2q24.3.
Variant type: single nucleotide variant.
Coding change: c.3187G>T on transcript NM_001365536.1 (MANE Select); coding-DNA position 3187, G replaced by T.
Protein change: p.Gly1063Ter; replaces glycine 1063 with a stop codon.
Molecular consequence: nonsense.
Genome position (GRCh38, 1-based): chr2:166,272,563, C>A on the plus strand (G>T on the coding strand, the complement: SCN9A is on the minus strand). VCF-style: chr2-166272563-C-A. GRCh37 (hg19) VCF-style: chr2-167129073-C-A.
Other names: c.3154G>T, p.Gly1052Ter (NM_002977.4); short protein forms G1063*, G1052*.
Identifiers: ClinVar variation 847628 (VCV000847628.8), dbSNP rs1553486684, ClinGen allele CA349073302.
Genomic context (GRCh38, chr2:166,272,563, plus strand): 5'-GATTGTGAATAAATGATTGACCATCACTGTCTTCCATCAAGTGTTTGTCCACGCTGCTTC[C>A]AAAACCACTGATTTTATCTTTTTCCTTGAGGAAATTGTGACCTTTGCTCATTTCAGCAAG-3'